The following is an entry in ClinVar:

NM_198253.3(TERT):c.2009C>G (p.Ala670Gly)

Gene: TERT (telomerase reverse transcriptase; minus strand). Cytogenetic location: 5p15.33.
Variant type: single nucleotide variant.
Coding change: c.2009C>G on transcript NM_198253.3 (MANE Select); coding-DNA position 2009, C replaced by G.
Protein change: p.Ala670Gly; replaces alanine 670 with glycine.
Molecular consequence: missense variant. On other transcripts: non-coding transcript variant (2).
Genome position (GRCh38, 1-based): chr5:1,279,412, G>C on the plus strand (C>G on the coding strand, the complement: TERT is on the minus strand). VCF-style: chr5-1279412-G-C. GRCh37 (hg19) VCF-style: chr5-1279527-G-C.
Other names: c.2009C>G, p.Ala670Gly (NM_001193376.3, NM_003219.1); short protein forms A670G.
Identifiers: ClinVar variation 1716496 (VCV001716496.6), dbSNP rs767382450, ClinGen allele CA359080694.

ClinVar aggregate classification (germline): Uncertain significance (1 of 4 stars; one submission).

Conditions:
Idiopathic Pulmonary Fibrosis. Also called: Idiopathic fibrosing alveolitis, chronic form; idiopathic fibrosing alveolitis. Identifiers: Orphanet 2032, MedGen C1800706, MeSH D054990, MONDO:0800504.
Dyskeratosis congenita, autosomal dominant 2. Identifiers: MedGen C3151443, MONDO:0013521, OMIM 613989.

Submission:

Labcorp Genetics (formerly Invitae), Labcorp
Classification: Uncertain significance for Dyskeratosis congenita, autosomal dominant 2; Idiopathic Pulmonary Fibrosis. Last evaluated: 2022-08-16. Review status: criteria provided, single submitter. Criteria: Invitae Variant Classification Sherloc (09022015). Collection method: clinical testing. Allele origin: germline.
Comment: This sequence change replaces alanine, which is neutral and non-polar, with glycine, which is neutral and non-polar, at codon 670 of the TERT protein (p.Ala670Gly). In summary, the available evidence is currently insufficient to determine the role of this variant in disease. Therefore, it has been classified as a Variant of Uncertain Significance. Advanced modeling of protein sequence and biophysical properties (such as structural, functional, and spatial information, amino acid conservation, physicochemical variation, residue mobility, and thermodynamic stability) performed at Invitae indicates that this missense variant is not expected to disrupt TERT protein function. This variant has not been reported in the literature in individuals affected with TERT-related conditions. This variant is not present in population databases (gnomAD no frequency).